The following is an entry in ClinVar:

NM_004990.4(MARS1):c.1171C>G (p.His391Asp)

Gene: MARS1 (methionyl-tRNA synthetase 1; plus strand). Cytogenetic location: 12q13.3.
Variant type: single nucleotide variant.
Coding change: c.1171C>G on transcript NM_004990.4 (MANE Select); coding-DNA position 1171, C replaced by G.
Protein change: p.His391Asp; replaces histidine 391 with aspartic acid.
Molecular consequence: missense variant.
Genome position (GRCh38, 1-based): chr12:57,500,400, C>G. VCF-style: chr12-57500400-C-G. GRCh37 (hg19) VCF-style: chr12-57894183-C-G.
Other names: short protein forms H391D.
Identifiers: ClinVar variation 2929096 (VCV002929096.3), dbSNP rs1298599869, ClinGen allele CA385457899.
Genomic context (GRCh38, chr12:57,500,400, plus strand): 5'-CAGCAGTTGCTGAAACGAGGTTTTGTGCTGCAAGATACTGTGGAGCAACTGCGATGTGAG[C>G]ACTGTGCTCGCTTCCTGGCTGACCGCTTCGTGGAGGGCGTGTGTCCCTTCTGTGGCTATG-3'
Protein context (NP_004981.2, residues 381-401): QDTVEQLRCE[His391Asp]CARFLADRFV

ClinVar aggregate classification (germline): Uncertain significance (1 of 4 stars; one submission).

Conditions:
Charcot-Marie-Tooth disease axonal type 2U. Also called: CHARCOT-MARIE-TOOTH NEUROPATHY, TYPE 2U; CHARCOT-MARIE-TOOTH DISEASE, AXONAL, AUTOSOMAL DOMINANT, TYPE 2U. Identifiers: Orphanet 397735, MedGen C4084821, MONDO:0014566, OMIM 616280.
Severe early-onset pulmonary alveolar proteinosis due to MARS deficiency. Also called: PULMONARY ALVEOLAR PROTEINOSIS, REUNION ISLAND; Interstitial lung and liver disease. Identifiers: Orphanet 440427, MedGen C4225400, MONDO:0014206, OMIM 615486.

Allele frequency attached by ClinVar (database versions not stated): gnomAD exomes below 0.00001; TOPMed below 0.00001.
gnomAD v4.1: 2 of 1,614,190 alleles (0.00012%); highest among the groups gnomAD compares: Admixed American, 0.0017%; no homozygotes.

Submission:

Labcorp Genetics (formerly Invitae), Labcorp
Classification: Uncertain significance for Charcot-Marie-Tooth disease axonal type 2U; Severe early-onset pulmonary alveolar proteinosis due to MARS deficiency. Last evaluated: 2023-09-10. Review status: criteria provided, single submitter. Criteria: Invitae Variant Classification Sherloc (09022015). Collection method: clinical testing. Allele origin: germline.
Comment: In summary, the available evidence is currently insufficient to determine the role of this variant in disease. Therefore, it has been classified as a Variant of Uncertain Significance. An algorithm developed to predict the effect of missense changes on protein structure and function (PolyPhen-2) suggests that this variant is likely to be tolerated. This variant has not been reported in the literature in individuals affected with MARS-related conditions. This variant is present in population databases (no rsID available, gnomAD 0.003%). This sequence change replaces histidine, which is basic and polar, with aspartic acid, which is acidic and polar, at codon 391 of the MARS protein (p.His391Asp).